The following is an entry in ClinVar:

ClinVar aggregate classification (germline): Uncertain significance (1 of 4 stars; one submission).

Submission:

Women's Health and Genetics/Laboratory Corporation of America, LabCorp
Classification: Uncertain significance. Last evaluated: 2024-08-27. Review status: criteria provided, single submitter. Criteria: LabCorp Variant Classification Summary - May 2015. Collection method: clinical testing. Allele origin: germline.
Comment: Variant summary: SLC26A11 c.1565G>A (p.Cys522Tyr) results in a non-conservative amino acid change located in the STAS domain (IPR002645) of the encoded protein sequence. Three of five in-silico tools predict a benign effect of the variant on protein function. The variant allele was found at a frequency of 4e-06 in 248316 control chromosomes. The available data on variant occurrences in the general population are insufficient to allow any conclusion about variant significance. To our knowledge, no occurrence of c.1565G>A in individuals affected with SLC26A11-Related Disorders and no experimental evidence demonstrating its impact on protein function have been reported. No submitters have cited clinical-significance assessments for this variant to ClinVar. Based on the evidence outlined above, the variant was classified as uncertain significance.

NM_001166347.2(SLC26A11):c.1565G>A (p.Cys522Tyr)

Gene: SLC26A11 (solute carrier family 26 member 11; plus strand). Cytogenetic location: 17q25.3.
Variant type: single nucleotide variant.
Coding change: c.1565G>A on transcript NM_001166347.2 (MANE Select); coding-DNA position 1565, G replaced by A.
Protein change: p.Cys522Tyr; replaces cysteine 522 with tyrosine.
Molecular consequence: missense variant.
Genome position (GRCh38, 1-based): chr17:80,249,196, G>A. VCF-style: chr17-80249196-G-A. GRCh37 (hg19) VCF-style: chr17-78222995-G-A.
Other names: c.1565G>A, p.Cys522Tyr (NM_001166348.2, NM_001166349.2, NM_173626.4); short protein forms C522Y.
Identifiers: ClinVar variation 3366584 (VCV003366584.1).
Genomic context (GRCh38, chr17:80,249,196, plus strand): 5'-TCGGGCCTGTCTCCCCAGTGTCCCCGCCACGCTGCCTGGTCCTGGAGTGCACCCATGTCT[G>A]CAGCATCGACTACACTGTGGTGCTGGGACTCGGCGAGCTCCTCCAGGACTTCCAGAAGCA-3'
Protein context (NP_001159819.1, residues 512-532): RCLVLECTHV[Cys522Tyr]SIDYTVVLGL